The following is an entry in ClinVar:

NM_000057.4(BLM):c.3917G>A (p.Gly1306Asp)

Gene: BLM (BLM RecQ like helicase; plus strand). Cytogenetic location: 15q26.1.
Variant type: single nucleotide variant.
Coding change: c.3917G>A on transcript NM_000057.4 (MANE Select); coding-DNA position 3917, G replaced by A.
Protein change: p.Gly1306Asp; replaces glycine 1306 with aspartic acid.
Molecular consequence: missense variant.
Genome position (GRCh38, 1-based): chr15:90,811,247, G>A. VCF-style: chr15-90811247-G-A. GRCh37 (hg19) VCF-style: chr15-91354477-G-A.
Other names: c.3917G>A, p.Gly1306Asp (NM_001287246.2); c.3524G>A, p.Gly1175Asp (NM_001287247.2); c.2792G>A, p.Gly931Asp (NM_001287248.2); short protein forms G1175D, G931D, G1306D.
Identifiers: ClinVar variation 1481760 (VCV001481760.8), dbSNP rs2151199760, ClinGen allele CA393850600.

ClinVar aggregate classification (germline): Uncertain significance (1 of 4 stars; one submission).

Conditions:
Bloom syndrome (BLM). Also called: Bloom-Torre-Machacek syndrome. Identifiers: Orphanet 125, MedGen C0005859, MONDO:0008876, OMIM 210900.

Submission:

Labcorp Genetics (formerly Invitae), Labcorp
Classification: Uncertain significance for Bloom syndrome. Last evaluated: 2021-02-18. Review status: criteria provided, single submitter. Criteria: Invitae Variant Classification Sherloc (09022015). Collection method: clinical testing. Allele origin: germline.
Comment: Algorithms developed to predict the effect of missense changes on protein structure and function (SIFT, PolyPhen-2, Align-GVGD) all suggest that this variant is likely to be tolerated, but these predictions have not been confirmed by published functional studies and their clinical significance is uncertain. This variant has not been reported in the literature in individuals with BLM-related conditions. This variant is not present in population databases (ExAC no frequency). This sequence change replaces glycine with aspartic acid at codon 1306 of the BLM protein (p.Gly1306Asp). The glycine residue is weakly conserved and there is a moderate physicochemical difference between glycine and aspartic acid. In summary, the available evidence is currently insufficient to determine the role of this variant in disease. Therefore, it has been classified as a Variant of Uncertain Significance.